The following is an entry in ClinVar:

ClinVar aggregate classification (germline): Pathogenic/Likely pathogenic. Review status: criteria provided, multiple submitters, no conflicts (2 of 4 stars). 3 submissions from 3 submitters: Pathogenic (2); Likely pathogenic (1). Last evaluated 2024-11-10.

Conditions:
Neuronal ceroid lipofuscinosis 7 (CLN7). Also called: MFSD8-Related Neuronal Ceroid-Lipofuscinosis. Identifiers: Orphanet 168491, Orphanet 228366, MedGen C1838571, MONDO:0012588, OMIM 610951.
Late-infantile neuronal ceroid lipofuscinosis. Also called: Jansky-Bielschowsky disease. Identifiers: MedGen C0022340, MONDO:0015674.

Submissions (3):

Natera, Inc.
Classification: Likely pathogenic for Late-infantile neuronal ceroid lipofuscinosis. Last evaluated: 2024-11-10. Review status: criteria provided, single submitter. Criteria: Natera Variant Classification Schema (03/2026). Collection method: clinical testing. Allele origin: germline.
Comment: The c.599G>A variant in MFSD8 is a nonsense variant predicted to introduce a stop codon at amino acid 200. This variant is expected to result in nonsense mediated decay, truncation, or a dysfunctional protein product. This variant is rare in the general population with a frequency below the threshold expected for the associated phenotype(s). Given the available evidence, this variant is classified as Likely Pathogenic.

Labcorp Genetics (formerly Invitae), Labcorp
Classification: Pathogenic for Neuronal ceroid lipofuscinosis 7. Last evaluated: 2022-03-11. Review status: criteria provided, single submitter. Criteria: Invitae Variant Classification Sherloc (09022015). Collection method: clinical testing. Allele origin: germline.
Comment: For these reasons, this variant has been classified as Pathogenic. Algorithms developed to predict the effect of sequence changes on RNA splicing suggest that this variant may disrupt the consensus splice site. ClinVar contains an entry for this variant (Variation ID: 206149). This premature translational stop signal has been observed in individual(s) with MFSD8-realted conditions (PMID: 29655203). This variant is not present in population databases (gnomAD no frequency). This sequence change creates a premature translational stop signal (p.Trp200*) in the MFSD8 gene. It is expected to result in an absent or disrupted protein product. Loss-of-function variants in MFSD8 are known to be pathogenic (PMID: 19177532, 25227500, 28586915).

GeneDx
Classification: Pathogenic. Last evaluated: 2014-02-13. Review status: criteria provided, single submitter. Criteria: GeneDx Variant Classification (06012015). Collection method: clinical testing. Allele origin: germline. Affected: yes.
Comment: p.Trp200Stop (TGG>TAG): c.599 G>A in exon 7 of the MFSD8 gene (NM_152778.2). The Trp200Stop mutation is predicted to cause loss of normal protein function either through protein truncation or nonsense-mediated mRNA decay. It was not observed in approximately 6,000 individuals of European and African American ancestry in the NHLBI Exome Sequencing Project, indicating it is not a common benign variant in these populations. Although this mutation has not been reported previously to our knowledge, Trp200Stop is expected to be a disease-causing mutation. The variant is found in CHILD-EPI panel(s).

Literature cited by the submitters: PubMed 29655203 (cited by Labcorp Genetics (formerly Invitae), Labcorp); PubMed 19177532 (cited by Labcorp Genetics (formerly Invitae), Labcorp); PubMed 25227500 (cited by Labcorp Genetics (formerly Invitae), Labcorp); PubMed 28586915 (cited by Labcorp Genetics (formerly Invitae), Labcorp).

NM_001371596.2(MFSD8):c.599G>A (p.Trp200Ter)

Gene: MFSD8 (major facilitator superfamily domain containing 8; minus strand). Cytogenetic location: 4q28.2.
Variant type: single nucleotide variant.
Coding change: c.599G>A on transcript NM_001371596.2 (MANE Select); coding-DNA position 599, G replaced by A.
Protein change: p.Trp200Ter; replaces tryptophan 200 with a stop codon.
Molecular consequence: nonsense. On other transcripts: intron variant (5).
Genome position (GRCh38, 1-based): chr4:127,939,952, C>T on the plus strand (G>A on the coding strand, the complement: MFSD8 is on the minus strand). VCF-style: chr4-127939952-C-T. GRCh37 (hg19) VCF-style: chr4-128861107-C-T.
Other names: p.W200*:TGG>TAG; c.464G>A, p.Trp155Ter (NM_001371590.2); c.599G>A, p.Trp200Ter (NM_001371591.2, NM_152778.4); c.605G>A, p.Trp202Ter (NM_001371592.2); c.485G>A, p.Trp162Ter (NM_001371593.2, NM_001410766.1); c.419-1116G>A (NM_001371595.1); c.304+3800G>A (NM_001410765.1); c.439+3800G>A (NM_001363521.3); and 2 more; short protein forms W200*, W155*, W162*, W202*.
Identifiers: ClinVar variation 206149 (VCV000206149.10), dbSNP rs558274487, ClinGen allele CA315960.